The following is an entry in ClinVar:

NM_016341.4(PLCE1):c.6752C>A (p.Ser2251Tyr)

Genes: NOC3L (NOC3 like DNA replication regulator; minus strand), PLCE1 (phospholipase C epsilon 1; plus strand). Cytogenetic location: 10q23.33.
Variant type: single nucleotide variant.
Coding change: c.6752C>A on transcript NM_016341.4 (MANE Select); coding-DNA position 6752, C replaced by A.
Protein change: p.Ser2251Tyr; replaces serine 2251 with tyrosine.
Molecular consequence: missense variant.
Genome position (GRCh38, 1-based): chr10:94,324,923, C>A. VCF-style: chr10-94324923-C-A. GRCh37 (hg19) VCF-style: chr10-96084680-C-A.
Other names: c.5828C>A, p.Ser1943Tyr (NM_001165979.2); c.6704C>A, p.Ser2235Tyr (NM_001288989.2); short protein forms S2251Y, S1943Y, S2235Y.
Identifiers: ClinVar variation 2372458 (VCV002372458.7), dbSNP rs767697356, ClinGen allele CA5613660.

ClinVar aggregate classification (germline): Uncertain significance. Review status: criteria provided, multiple submitters, no conflicts (2 of 4 stars). 4 submissions from 4 submitters: Uncertain significance (4). Last evaluated 2025-09-22.

Conditions:
Nephrotic syndrome, type 3 (NPHS3). Also called: NEPHROTIC SYNDROME, EARLY-ONSET, TYPE 3. Identifiers: Orphanet 656, MedGen C1853124, MONDO:0012546, OMIM 610725.
Inborn genetic diseases. Identifiers: MedGen C0950123, MeSH D030342.

Allele frequency attached by ClinVar (database versions not stated): gnomAD exomes below 0.00001; ExAC 0.00001; TOPMed 0.00001; gnomAD 0.00005.
gnomAD v4.1: 18 of 1,614,094 alleles (0.0011%); highest among the groups gnomAD compares: Admixed American, 0.012%; no homozygotes.

Submissions (4):

Ambry Genetics
Classification: Uncertain significance for Inborn genetic diseases. Last evaluated: 2025-09-22. Review status: criteria provided, single submitter. Criteria: Ambry Variant Classification Scheme 2023. Collection method: clinical testing. Allele origin: germline.

Victorian Clinical Genetics Services, Murdoch Childrens Research Institute
Classification: Uncertain significance for Nephrotic syndrome, type 3. Last evaluated: 2025-09-15. Review status: criteria provided, single submitter. Criteria: ACMG Guidelines, 2015. Collection method: clinical testing. Allele origin: germline. Affected: yes.
Comment: This variant is classified as VUS-3A. Evidence in support of pathogenic classification: Variant is present in gnomAD <0.01 for a recessive condition (v4: 18 heterozygote(s), 0 homozygote(s)) ; Missense variant predicted to be damaging by in silico tool(s) or highly conserved with a major amino acid change. Additional information: Variant is predicted to result in a missense amino acid change from Ser to Tyr; This variant is homozygous; This gene is associated with autosomal recessive disease; Previous evidence of pathogenicity for this variant is inconclusive. This variant has been classified as a VUS by two clinical laboratories in ClinVar; No published evidence of segregation with disease has been identified for this variant; No published functional evidence has been identified for this variant; No comparable missense variants have previous evidence for pathogenicity; Variant is not located in an established domain, motif, hotspot or informative constraint region; Loss of function is a known mechanism of disease in this gene and is associated with nephrotic syndrome, type 3 (MIM#610725); Inheritance information for this variant is not currently available in this individual.

Blueprint Genetics
Classification: Uncertain significance. Last evaluated: 2024-03-07. Review status: criteria provided, single submitter. Criteria: ACMG Guidelines, 2015. Collection method: clinical testing. Allele origin: germline.

Fulgent Genetics
Classification: Uncertain significance for Nephrotic syndrome, type 3. Last evaluated: 2024-03-01. Review status: criteria provided, single submitter. Criteria: ACMG Guidelines, 2015. Collection method: clinical testing. Allele origin: germline.